The following is an entry in ClinVar:

NM_020964.3(EPG5):c.5051C>T (p.Thr1684Met)

Gene: EPG5 (ectopic P-granules 5 autophagy tethering factor; minus strand). Cytogenetic location: 18q12.3.
Variant type: single nucleotide variant.
Coding change: c.5051C>T on transcript NM_020964.3 (MANE Select); coding-DNA position 5051, C replaced by T.
Protein change: p.Thr1684Met; replaces threonine 1684 with methionine.
Molecular consequence: missense variant.
Genome position (GRCh38, 1-based): chr18:45,887,809, G>A on the plus strand (C>T on the coding strand, the complement: EPG5 is on the minus strand). VCF-style: chr18-45887809-G-A. GRCh37 (hg19) VCF-style: chr18-43467774-G-A.
Other names: c.5051C>T, p.Thr1684Met (LRG_1234t1); short protein forms T1684M.
Identifiers: ClinVar variation 664489 (VCV000664489.10), dbSNP rs188800635, ClinGen allele CA8948688.

ClinVar aggregate classification (germline): Uncertain significance. Review status: criteria provided, multiple submitters, no conflicts (2 of 4 stars). 3 submissions from 3 submitters: Uncertain significance (3). Last evaluated 2025-12-15.

Conditions:
Vici syndrome (VICIS). Identifiers: Orphanet 1493, MedGen C1855772, MONDO:0009452, OMIM 242840.
Inborn genetic diseases. Identifiers: MedGen C0950123, MeSH D030342.

Allele frequency attached by ClinVar (database versions not stated): gnomAD exomes 0.00001 and 0.00003; ExAC 0.00003; ESP Exome Variant Server 0.00008; gnomAD 0.00015 and 0.00016; 1000 Genomes Project 30x 0.00016; TOPMed 0.00019; 1000 Genomes Project 0.00020.

Submissions (3):

Ambry Genetics
Classification: Uncertain significance for Inborn genetic diseases. Last evaluated: 2025-12-15. Review status: criteria provided, single submitter. Criteria: Ambry Variant Classification Scheme 2023. Collection method: clinical testing. Allele origin: germline.

Women's Health and Genetics/Laboratory Corporation of America, LabCorp
Classification: Uncertain significance. Last evaluated: 2024-04-02. Review status: criteria provided, single submitter. Criteria: LabCorp Variant Classification Summary - May 2015. Collection method: clinical testing. Allele origin: germline.
Comment: Variant summary: EPG5 c.5051C>T (p.Thr1684Met) results in a non-conservative amino acid change in the encoded protein sequence. Four of five in-silico tools predict a damaging effect of the variant on protein function. The variant allele was found at a frequency of 2.8e-05 in 247930 control chromosomes. The available data on variant occurrences in the general population are insufficient to allow any conclusion about variant significance. To our knowledge, no occurrence of c.5051C>T in individuals affected with Vici Syndrome and no experimental evidence demonstrating its impact on protein function have been reported. ClinVar contains an entry for this variant (Variation ID: 664489). Based on the evidence outlined above, the variant was classified as uncertain significance.

Labcorp Genetics (formerly Invitae), Labcorp
Classification: Uncertain significance for Vici syndrome. Last evaluated: 2022-10-17. Review status: criteria provided, single submitter. Criteria: Invitae Variant Classification Sherloc (09022015). Collection method: clinical testing. Allele origin: germline.
Comment: This sequence change replaces threonine, which is neutral and polar, with methionine, which is neutral and non-polar, at codon 1684 of the EPG5 protein (p.Thr1684Met). This variant is present in population databases (rs188800635, gnomAD 0.02%). This variant has not been reported in the literature in individuals affected with EPG5-related conditions. ClinVar contains an entry for this variant (Variation ID: 664489). Advanced modeling of protein sequence and biophysical properties (such as structural, functional, and spatial information, amino acid conservation, physicochemical variation, residue mobility, and thermodynamic stability) performed at Invitae indicates that this missense variant is expected to disrupt EPG5 protein function. In summary, the available evidence is currently insufficient to determine the role of this variant in disease. Therefore, it has been classified as a Variant of Uncertain Significance.